The following is an entry in ClinVar:

ClinVar aggregate classification (germline): Uncertain significance. Review status: criteria provided, multiple submitters, no conflicts (2 of 4 stars). 2 submissions from 2 submitters: Uncertain significance (2). Last evaluated 2026-02-01.

Allele frequency attached by ClinVar (database versions not stated): gnomAD exomes below 0.00001.
gnomAD v4.1: 1 of 1,614,050 alleles (0.000062%); highest among the groups gnomAD compares: Admixed American, 0.0017%; no homozygotes.

Submissions (2):

Labcorp Genetics (formerly Invitae), Labcorp
Classification: Uncertain significance. Last evaluated: 2026-02-01. Review status: criteria provided, single submitter. Criteria: Invitae Variant Classification Sherloc (09022015). Collection method: clinical testing. Allele origin: germline.
Comment: This sequence change replaces proline, which is neutral and non-polar, with serine, which is neutral and polar, at codon 1604 of the SRCAP protein (p.Pro1604Ser). This variant is not present in population databases (gnomAD no frequency). This variant has not been reported in the literature in individuals affected with SRCAP-related conditions. ClinVar contains an entry for this variant (Variation ID: 1678417). Invitae Evidence Modeling of protein sequence and biophysical properties (such as structural, functional, and spatial information, amino acid conservation, physicochemical variation, residue mobility, and thermodynamic stability) indicates that this missense variant is not expected to disrupt SRCAP protein function with a negative predictive value of 80%. In summary, the available evidence is currently insufficient to determine the role of this variant in disease. Therefore, it has been classified as a Variant of Uncertain Significance.

AiLife Diagnostics
Classification: Uncertain significance. Last evaluated: 2021-06-05. Review status: criteria provided, single submitter. Criteria: ACMG Guidelines, 2015. Collection method: clinical testing. Allele origin: germline. Affected: yes. Observed: 1 variant allele.

NM_006662.3(SRCAP):c.4810C>T (p.Pro1604Ser)

Gene: SRCAP (Snf2 related CREBBP activator protein; plus strand). Cytogenetic location: 16p11.2.
Variant type: single nucleotide variant.
Coding change: c.4810C>T on transcript NM_006662.3 (MANE Select); coding-DNA position 4810, C replaced by T.
Protein change: p.Pro1604Ser; replaces proline 1604 with serine.
Molecular consequence: missense variant.
Genome position (GRCh38, 1-based): chr16:30,724,234, C>T. VCF-style: chr16-30724234-C-T. GRCh37 (hg19) VCF-style: chr16-30735555-C-T.
Other names: short protein forms P1604S.
Identifiers: ClinVar variation 1678417 (VCV001678417.2), dbSNP rs1567248206, ClinGen allele CA395616685.